The following is an entry in ClinVar:

NM_022481.6(ARAP3):c.123C>T (p.His41=)

Gene: ARAP3 (ArfGAP with RhoGAP domain, ankyrin repeat and PH domain 3; minus strand). Cytogenetic location: 5q31.3.
Variant type: single nucleotide variant.
Coding change: c.123C>T on transcript NM_022481.6 (MANE Select); coding-DNA position 123, C replaced by T.
Protein change: p.His41=; no amino-acid change (histidine 41 retained).
Molecular consequence: synonymous variant.
Genome position (GRCh38, 1-based): chr5:141,680,364, G>A on the plus strand (C>T on the coding strand, the complement: ARAP3 is on the minus strand). VCF-style: chr5-141680364-G-A. GRCh37 (hg19) VCF-style: chr5-141059931-G-A.
Identifiers: ClinVar variation 2655871 (VCV002655871.24), dbSNP rs145637020, ClinGen allele CA3482519.
Genomic context (GRCh38, chr5:141,680,364, plus strand): 5'-CAGGCGTAGAATGCGTTTCCGGTGCCCTGTGGCGCTGATGCCCAACTGCTTCAACTCCTC[G>A]TGGCCCAGGCCCCGGGCTGCACCTGCTGTAGCCAGGCCATGCCGTCGGAACGTGTCTGCA-3'
Protein context (NP_071926.4, residues 31-51): ATAGAARGLG[His41=]EELKQLGISA

ClinVar aggregate classification (germline): Likely benign (1 of 4 stars; one submission).

Allele frequency attached by ClinVar (database versions not stated): gnomAD exomes 0.00012; ExAC 0.00046; ESP Exome Variant Server 0.00123; TOPMed 0.00132; 1000 Genomes Project 30x 0.00297; 1000 Genomes Project 0.00300.
gnomAD v4.1: 391 of 1,614,174 alleles (0.024%); highest among the groups gnomAD compares: African/African-American, 0.39%; no homozygotes.

Submission:

CeGaT Center for Human Genetics Tuebingen
Classification: Likely benign. Last evaluated: 2022-03-01. Review status: criteria provided, single submitter. Criteria: CeGaT Center For Human Genetics Tuebingen Variant Classification Criteria Version 2. Collection method: clinical testing. Allele origin: germline. Affected: yes. Observed: 1 variant allele.
Comment: ARAP3: BP4, BP7